The following is an entry in ClinVar:

ClinVar aggregate classification (germline): Uncertain significance (1 of 4 stars; one submission).

Submission:

Labcorp Genetics (formerly Invitae), Labcorp
Classification: Uncertain significance. Last evaluated: 2023-08-17. Review status: criteria provided, single submitter. Criteria: Invitae Variant Classification Sherloc (09022015). Collection method: clinical testing. Allele origin: germline.
Comment: In summary, the available evidence is currently insufficient to determine the role of this variant in disease. Therefore, it has been classified as a Variant of Uncertain Significance. An algorithm developed to predict the effect of missense changes on protein structure and function (PolyPhen-2) suggests that this variant is likely to be tolerated. ClinVar contains an entry for this variant (Variation ID: 1483072). This variant has not been reported in the literature in individuals affected with ABHD12-related conditions. This variant is not present in population databases (gnomAD no frequency). This sequence change replaces glutamic acid, which is acidic and polar, with lysine, which is basic and polar, at codon 395 of the ABHD12 protein (p.Glu395Lys).

NM_001042472.3(ABHD12):c.1183G>A (p.Glu395Lys)

Gene: ABHD12 (abhydrolase domain containing 12, lysophospholipase; minus strand). Cytogenetic location: 20p11.21.
Variant type: single nucleotide variant.
Coding change: c.1183G>A on transcript NM_001042472.3 (MANE Select); coding-DNA position 1183, G replaced by A.
Protein change: p.Glu395Lys; replaces glutamic acid 395 with lysine.
Molecular consequence: missense variant. On other transcripts: intron variant (1).
Genome position (GRCh38, 1-based): chr20:25,300,859, C>T on the plus strand (G>A on the coding strand, the complement: ABHD12 is on the minus strand). VCF-style: chr20-25300859-C-T. GRCh37 (hg19) VCF-style: chr20-25281495-C-T.
Other names: c.1157+1360G>A (NM_015600.5); short protein forms E395K.
Identifiers: ClinVar variation 1483072 (VCV001483072.6), dbSNP rs1226327414, ClinGen allele CA408453750.